The following is an entry in ClinVar:

ClinVar aggregate classification (germline): Uncertain significance (1 of 4 stars; one submission).

gnomAD v4.1: 2 of 1,603,282 alleles (0.00012%); highest among the groups gnomAD compares: South Asian, 0.0022%; no homozygotes.

Submission:

GeneDx
Classification: Uncertain significance. Last evaluated: 2017-03-07. Review status: criteria provided, single submitter. Criteria: GeneDx Variant Classification (06012015). Collection method: clinical testing. Allele origin: germline. Affected: yes.
Comment: A variant of uncertain significance has been identified in the NRXN1 gene. The P108A variant has not been published as a pathogenic variant, nor has it been reported as a benign variant to our knowledge. The P108A variant is not observed at a significant frequency in large population cohorts (Lek et al., 2016; 1000 Genomes Consortium et al., 2015; Exome Variant Server). The P108A variant is a semi-conservative amino acid substitution, which may impact secondary protein structure as these residues differ in some properties. This substitution occurs at a position that is conserved in mammals; however, Alanine is observed at this position in evolution. In silico analysis predicts this variant likely does not alter the protein structure/function. Therefore, based on the currently available information, it is unclear whether this variant is a pathogenic variant or a rare benign variant.

NM_001330078.2(NRXN1):c.322C>G (p.Pro108Ala)

Gene: NRXN1 (neurexin 1; minus strand). Cytogenetic location: 2p16.3.
Variant type: single nucleotide variant.
Coding change: c.322C>G on transcript NM_001330078.2 (MANE Select); coding-DNA position 322, C replaced by G.
Protein change: p.Pro108Ala; replaces proline 108 with alanine.
Molecular consequence: missense variant.
Genome position (GRCh38, 1-based): chr2:51,027,952, G>C on the plus strand (C>G on the coding strand, the complement: NRXN1 is on the minus strand). VCF-style: chr2-51027952-G-C. GRCh37 (hg19) VCF-style: chr2-51255090-G-C.
Other names: c.322C>G, p.Pro108Ala (NM_001135659.3, NM_001330077.2, NM_001330079.2 and 15 more transcripts); short protein forms P108A.
Identifiers: ClinVar variation 423938 (VCV000423938.2), dbSNP rs199784029, ClinGen allele CA1655514.